The following is an entry in ClinVar:

NM_007194.4(CHEK2):c.1119G>C (p.Lys373Asn)

Gene: CHEK2 (checkpoint kinase 2; minus strand). Cytogenetic location: 22q12.1.
Variant type: single nucleotide variant.
Coding change: c.1119G>C on transcript NM_007194.4 (MANE Select); coding-DNA position 1119, G replaced by C.
Protein change: p.Lys373Asn; replaces lysine 373 with asparagine.
Molecular consequence: missense variant.
Genome position (GRCh38, 1-based): chr22:28,695,850, C>G on the plus strand (G>C on the coding strand, the complement: CHEK2 is on the minus strand). VCF-style: chr22-28695850-C-G. GRCh37 (hg19) VCF-style: chr22-29091838-C-G.
Other names: c.1032G>C, p.Lys344Asn (NM_145862.3); c.1248G>C, p.Lys416Asn (NM_001005735.3); c.456G>C, p.Lys152Asn (NM_001257387.3, NM_001437942.1); c.918G>C, p.Lys306Asn (NM_001349956.3); c.1212G>C, p.Lys404Asn (NM_001438293.1); c.1161G>C, p.Lys387Asn (NM_001438294.1); c.1125G>C, p.Lys375Asn (NM_001438295.1); short protein forms K306N, K344N, K373N, K375N, K404N, K152N, K416N, K387N.
Identifiers: ClinVar variation 4843221 (VCV004843221.1).

ClinVar aggregate classification (germline): Uncertain significance (1 of 4 stars; one submission).

Conditions:
Hereditary cancer-predisposing syndrome. Also called: Neoplastic Syndromes, Hereditary; Tumor predisposition; Hereditary Cancer Syndrome; Hereditary neoplastic syndrome. Identifiers: Orphanet 140162, MedGen C0027672, MeSH D009386, MONDO:0015356.

gnomAD v4.1: 1 of 1,613,470 alleles (0.000062%); highest among the groups gnomAD compares: South Asian, 0.0011%; no homozygotes.

Submission:

Ambry Genetics
Classification: Uncertain significance for Hereditary cancer-predisposing syndrome. Last evaluated: 2025-12-15. Review status: criteria provided, single submitter. Criteria: Ambry Variant Classification Scheme 2023. Collection method: clinical testing. Allele origin: germline.
Comment: The p.K373N variant (also known as c.1119G>C), located in coding exon 10 of the CHEK2 gene, results from a G to C substitution at nucleotide position 1119. The lysine at codon 373 is replaced by asparagine, an amino acid with similar properties. This amino acid position is highly conserved in available vertebrate species. In addition, this alteration is predicted to be tolerated by in silico analysis. Based on the available evidence, the clinical significance of this variant remains unclear.